The following is an entry in ClinVar:

ClinVar aggregate classification (germline): Uncertain significance. Review status: criteria provided, multiple submitters, no conflicts (2 of 4 stars). 2 submissions from 2 submitters: Uncertain significance (2). Last evaluated 2025-08-08.

gnomAD v4.1: 56 of 1,613,190 alleles (0.0035%); highest among the groups gnomAD compares: African/African-American, 0.065%; no homozygotes.

Submissions (2):

Ambry Genetics
Classification: Uncertain significance. Last evaluated: 2025-08-08. Review status: criteria provided, single submitter. Criteria: Ambry Variant Classification Scheme 2023. Collection method: clinical testing. Allele origin: germline.

Mayo Clinic Laboratories, Mayo Clinic
Classification: Uncertain significance. Last evaluated: 2024-08-07. Review status: criteria provided, single submitter. Criteria: ACMG Guidelines, 2015. Collection method: clinical testing. Allele origin: germline. Observed: 1 variant allele.
Comment: BP4

NM_001172303.3(MASTL):c.2441T>A (p.Ile814Lys)

Gene: MASTL (microtubule associated serine/threonine kinase like; plus strand). Cytogenetic location: 10p12.1.
Variant type: single nucleotide variant.
Coding change: c.2441T>A on transcript NM_001172303.3 (MANE Select); coding-DNA position 2441, T replaced by A.
Protein change: p.Ile814Lys; replaces isoleucine 814 with lysine.
Molecular consequence: missense variant. On other transcripts: non-coding transcript variant (1).
Genome position (GRCh38, 1-based): chr10:27,181,540, T>A. VCF-style: chr10-27181540-T-A. GRCh37 (hg19) VCF-style: chr10-27470469-T-A.
Other names: p.Ile813Lys; c.2438T>A (NM_032844.3); c.2324T>A, p.Ile775Lys (NM_001172304.3); c.2453T>A, p.Ile818Lys (NM_001320756.2); c.2456T>A, p.Ile819Lys (NM_001320757.2); c.1973T>A, p.Ile658Lys (NM_001372029.1); c.1958T>A, p.Ile653Lys (NM_001372030.1); c.2438T>A, p.Ile813Lys (NM_032844.5); short protein forms I653K, I658K, I775K, I813K, I814K, I818K, I819K.
Identifiers: ClinVar variation 3379960 (VCV003379960.2).